The following is an entry in ClinVar:

NM_013291.3(CPSF1):c.1119+5G>T

Gene: CPSF1 (cleavage and polyadenylation specific factor 1; minus strand). Cytogenetic location: 8q24.3.
Variant type: single nucleotide variant.
Coding change: c.1119+5G>T on transcript NM_013291.3 (MANE Select); 5 bases into the intron after coding-DNA position 1119, G replaced by T.
Molecular consequence: intron variant.
Genome position (GRCh38, 1-based): chr8:144,399,776, C>A on the plus strand (G>T on the coding strand, the complement: CPSF1 is on the minus strand). VCF-style: chr8-144399776-C-A. GRCh37 (hg19) VCF-style: chr8-145625166-C-A.
Identifiers: ClinVar variation 3376167 (VCV003376167.1).

ClinVar aggregate classification (germline): Uncertain significance (1 of 4 stars; one submission).

Conditions:
Myopia 27. Also called: MYOPIA 27, AUTOSOMAL DOMINANT. Identifiers: MedGen C5394215, MONDO:0032941, OMIM 618827.

Submission:

Pittsburgh Clinical Genomics Laboratory, University of Pittsburgh Medical Center
Classification: Uncertain significance for Myopia 27. Last evaluated: 2023-12-15. Review status: criteria provided, single submitter. Criteria: ACMG Guidelines, 2015. Collection method: clinical testing. Allele origin: germline. Inheritance: Autosomal dominant inheritance. Affected: yes.
Comment: This sequence variant is a single nucleotide substitution (G>T) at the +5 position downstream of exon 11 of the CPSF1 gene. This novel variant is absent from literature reports, ClinVar database, and the gnomAD population database (0/~241000 alleles). Multiple splicing tools predict that this variant will alter alter splicing and CPSF1 protein function, though splicing studies confirming this prediction have not been performed, to our knowledge. At this time, there is insufficient evidence to determine if this variant is pathogenic or benign. Therefore, we consider this a variant of uncertain significance. ACMG Criteria: PM2, PP3